The following is an entry in ClinVar:

NM_021167.5(GATAD1):c.537C>G (p.Cys179Trp)

Gene: GATAD1 (GATA zinc finger domain containing 1; plus strand). Cytogenetic location: 7q21.2.
Variant type: single nucleotide variant.
Coding change: c.537C>G on transcript NM_021167.5 (MANE Select); coding-DNA position 537, C replaced by G.
Protein change: p.Cys179Trp; replaces cysteine 179 with tryptophan.
Molecular consequence: missense variant. On other transcripts: non-coding transcript variant (1).
Genome position (GRCh38, 1-based): chr7:92,454,603, C>G. VCF-style: chr7-92454603-C-G. GRCh37 (hg19) VCF-style: chr7-92083917-C-G.
Other names: short protein forms C179W.
Identifiers: ClinVar variation 163497 (VCV000163497.7), dbSNP rs727503061, ClinGen allele CA176130.

ClinVar aggregate classification (germline): Uncertain significance. Review status: criteria provided, multiple submitters, no conflicts (2 of 4 stars). 2 submissions from 2 submitters: Uncertain significance (2). Last evaluated 2025-05-24.

Conditions:
Cardiovascular phenotype. Identifiers: MedGen CN230736.

Submissions (2):

Ambry Genetics
Classification: Uncertain significance for Cardiovascular phenotype. Last evaluated: 2025-05-24. Review status: criteria provided, single submitter. Criteria: Ambry Variant Classification Scheme 2023. Collection method: clinical testing. Allele origin: germline.
Comment: The p.C179W variant (also known as c.537C>G), located in coding exon 4 of the GATAD1 gene, results from a C to G substitution at nucleotide position 537. The cysteine at codon 179 is replaced by tryptophan, an amino acid with highly dissimilar properties. This amino acid position is highly conserved in available vertebrate species. In addition, this alteration is predicted to be deleterious by in silico analysis. Since supporting evidence is limited at this time, the clinical significance of this alteration remains unclear.

Laboratory for Molecular Medicine, Mass General Brigham Personalized Medicine
Classification: Uncertain significance. Last evaluated: 2014-11-20. Review status: criteria provided, single submitter. Criteria: LMM Criteria. Collection method: clinical testing. Allele origin: germline. Observed: 1 variant allele.
Comment: The p.Cys179Trp variant in GATAD1 has not been previously reported in individual s with cardiomyopathy, but has been identified in 2/16628 South Asian chromosome s by the Exome Aggregation Consortium (ExAC). Co mputational prediction tools and conservation analysis suggest that this variant may impact the protein, though this information is not predictive enough to det ermine pathogenicity. In summary, the clinical significance of the p.Cys179Trp v ariant is uncertain.